The following is an entry in ClinVar:

NM_003124.5(SPR):c.16G>C (p.Gly6Arg)

Genes: SPR (sepiapterin reductase; plus strand), LOC129934069 (ATAC-STARR-seq lymphoblastoid silent region 11626; plus strand). Cytogenetic location: 2p13.2.
Variant type: single nucleotide variant.
Coding change: c.16G>C on transcript NM_003124.5 (MANE Select); coding-DNA position 16, G replaced by C.
Protein change: p.Gly6Arg; replaces glycine 6 with arginine.
Molecular consequence: missense variant.
Genome position (GRCh38, 1-based): chr2:72,887,448, G>C. VCF-style: chr2-72887448-G-C. GRCh37 (hg19) VCF-style: chr2-73114577-G-C.
Other names: short protein forms G6R.
Identifiers: ClinVar variation 646415 (VCV000646415.5), dbSNP rs769415486, ClinGen allele CA1708895.

ClinVar aggregate classification (germline): Uncertain significance. Review status: criteria provided, multiple submitters, no conflicts (2 of 4 stars). 2 submissions from 2 submitters: Uncertain significance (2). Last evaluated 2022-04-04.

Conditions:
Dopa-responsive dystonia due to sepiapterin reductase deficiency. Also called: SPR DEFICIENCY; Sepiapterin reductase deficiency; DYT-SPR. Identifiers: Orphanet 70594, MedGen C0268468, MONDO:0012994, OMIM 612716.
Dystonic disorder. Also called: Dystonia. Identifiers: MedGen C0013421, MONDO:0003441, HP:0001332.

Allele frequency attached by ClinVar (database versions not stated): ExAC below 0.00001; gnomAD 0.00003; gnomAD exomes 0.00005; TOPMed 0.00006.

Submissions (2):

Fulgent Genetics
Classification: Uncertain significance for Dopa-responsive dystonia due to sepiapterin reductase deficiency. Last evaluated: 2022-04-04. Review status: criteria provided, single submitter. Criteria: ACMG Guidelines, 2015. Collection method: clinical testing. Allele origin: unknown.

Labcorp Genetics (formerly Invitae), Labcorp
Classification: Uncertain significance for Dystonic disorder. Last evaluated: 2022-03-02. Review status: criteria provided, single submitter. Criteria: Invitae Variant Classification Sherloc (09022015). Collection method: clinical testing. Allele origin: germline.
Comment: This sequence change replaces glycine, which is neutral and non-polar, with arginine, which is basic and polar, at codon 6 of the SPR protein (p.Gly6Arg). This variant is present in population databases (rs769415486, gnomAD 0.01%). This variant has not been reported in the literature in individuals affected with SPR-related conditions. ClinVar contains an entry for this variant (Variation ID: 646415). Algorithms developed to predict the effect of missense changes on protein structure and function (SIFT, PolyPhen-2, Align-GVGD) all suggest that this variant is likely to be disruptive. In summary, the available evidence is currently insufficient to determine the role of this variant in disease. Therefore, it has been classified as a Variant of Uncertain Significance.